The following is an entry in ClinVar:

NM_004525.3(LRP2):c.9288C>A (p.His3096Gln)

Gene: LRP2 (LDL receptor related protein 2; minus strand). Cytogenetic location: 2q31.1.
Variant type: single nucleotide variant.
Coding change: c.9288C>A on transcript NM_004525.3 (MANE Select); coding-DNA position 9288, C replaced by A.
Protein change: p.His3096Gln; replaces histidine 3096 with glutamine.
Molecular consequence: missense variant.
Genome position (GRCh38, 1-based): chr2:169,188,010, G>T on the plus strand (C>A on the coding strand, the complement: LRP2 is on the minus strand). VCF-style: chr2-169188010-G-T. GRCh37 (hg19) VCF-style: chr2-170044520-G-T.
Other names: short protein forms H3096Q.
Identifiers: ClinVar variation 1401841 (VCV001401841.6), dbSNP rs755689893, ClinGen allele CA349156052.

ClinVar aggregate classification (germline): Uncertain significance (1 of 4 stars; one submission).

gnomAD v4.1: 1 of 1,614,096 alleles (0.000062%); highest among the groups gnomAD compares: Admixed American, 0.0017%; no homozygotes.

Submission:

Labcorp Genetics (formerly Invitae), Labcorp
Classification: Uncertain significance. Last evaluated: 2024-10-24. Review status: criteria provided, single submitter. Criteria: Invitae Variant Classification Sherloc (09022015). Collection method: clinical testing. Allele origin: germline.
Comment: This sequence change replaces histidine, which is basic and polar, with glutamine, which is neutral and polar, at codon 3096 of the LRP2 protein (p.His3096Gln). This variant is not present in population databases (gnomAD no frequency). This variant has not been reported in the literature in individuals affected with LRP2-related conditions. ClinVar contains an entry for this variant (Variation ID: 1401841). Invitae Evidence Modeling of protein sequence and biophysical properties (such as structural, functional, and spatial information, amino acid conservation, physicochemical variation, residue mobility, and thermodynamic stability) indicates that this missense variant is not expected to disrupt LRP2 protein function with a negative predictive value of 95%. In summary, the available evidence is currently insufficient to determine the role of this variant in disease. Therefore, it has been classified as a Variant of Uncertain Significance.